The following is an entry in ClinVar:

ClinVar aggregate classification (germline): Pathogenic. Review status: criteria provided, single submitter (1 of 4 stars). 2 submissions from 2 submitters: Pathogenic (1). 1 of the submissions does not count toward it. Last evaluated 2023-09-22.

Submissions (2):

Labcorp Genetics (formerly Invitae), Labcorp
Classification: Pathogenic. Last evaluated: 2023-09-22. Review status: criteria provided, single submitter. Criteria: Invitae Variant Classification Sherloc (09022015). Collection method: clinical testing. Allele origin: germline.
Comment: This sequence change results in a frameshift in the RS1 gene (p.Met214Trpfs*23). While this is not anticipated to result in nonsense mediated decay, it is expected to disrupt the last 11 amino acid(s) of the RS1 protein and extend the protein by 11 additional amino acid residues. This variant is not present in population databases (gnomAD no frequency). This frameshift has been observed in individual(s) with X-linked retinoschisis (PMID: 10415464). It has also been observed to segregate with disease in related individuals. ClinVar contains an entry for this variant (Variation ID: 99011). For these reasons, this variant has been classified as Pathogenic.

Retina International
No classification provided. Review status: no classification provided. Collection method: not provided. Allele origin: unknown. Not counted in ClinVar's aggregate classification.

Literature cited by the submitters: PubMed 10415464 (cited by Labcorp Genetics (formerly Invitae), Labcorp).

NM_000330.4(RS1):c.639del (p.Met214fs)

Genes: CDKL5 (cyclin dependent kinase like 5; plus strand), RS1 (retinoschisin 1; minus strand). Cytogenetic location: Xp22.13.
Variant type: Deletion.
Coding change: c.639del on transcript NM_000330.4 (MANE Select); coding-DNA position 639, one base deleted (G; older notation c.639delG).
Protein change: p.Met214fs; shifts the reading frame from methionine 214.
Molecular consequence: frameshift variant. On other transcripts: intron variant (2).
Genome position (GRCh38, 1-based): chrX:18,642,040, C deleted on the plus strand (G on the coding strand, the reverse complement: RS1 is on the minus strand); the first of 2 consecutive C bases (chrX:18,642,040-18,642,041); deleting either gives the same sequence. VCF-style (leftmost placement, unchanged base first): chrX-18642039-TC-T. GRCh37 (hg19) VCF-style: chrX-18660159-TC-T.
Other names: c.639delG (NM_000330.3); c.638delG, p.Met214Trpfs (NM_000330.3); c.2714-3966del (NM_003159.3, NM_001037343.2); short protein forms M214fs.
Identifiers: ClinVar variation 99011 (VCV000099011.12), dbSNP rs281865366, ClinGen allele CA226834.